The following is an entry in ClinVar:

NM_020832.3(ZNF687):c.2781A>C (p.Glu927Asp)

Gene: ZNF687 (zinc finger protein 687; plus strand). Cytogenetic location: 1q21.3.
Variant type: single nucleotide variant.
Coding change: c.2781A>C on transcript NM_020832.3 (MANE Select); coding-DNA position 2781, A replaced by C.
Protein change: p.Glu927Asp; replaces glutamic acid 927 with aspartic acid.
Molecular consequence: missense variant.
Genome position (GRCh38, 1-based): chr1:151,289,824, A>C. VCF-style: chr1-151289824-A-C. GRCh37 (hg19) VCF-style: chr1-151262300-A-C.
Other names: c.2781A>C, p.Glu927Asp (NM_001304763.2, NM_001304764.2); short protein forms E927D.
Identifiers: ClinVar variation 2415632 (VCV002415632.6), dbSNP rs901905116, ClinGen allele CA341954427.
Genomic context (GRCh38, chr1:151,289,824, plus strand): 5'-GCTGGCTGTTTCTCAGGGAGGGGCAGCCCCTGCTACTGAGGAGTCGTCTTCATCTTCAGA[A>C]GAGGAGGAAGTACCCAGCTCCCCTGAGCCCCCCCGTCCAGCCAAACGGCCTCGGCGGGAA-3'
Protein context (NP_065883.1, residues 917-937): PATEESSSSS[Glu927Asp]EEEVPSSPEP

ClinVar aggregate classification (germline): Uncertain significance (1 of 4 stars; one submission).

Allele frequency attached by ClinVar (database versions not stated): gnomAD exomes 0.00001.
gnomAD v4.1: 9 of 1,569,118 alleles (0.00057%); highest among the groups gnomAD compares: Non-Finnish European, 0.00078%; no homozygotes.

Submission:

Labcorp Genetics (formerly Invitae), Labcorp
Classification: Uncertain significance. Last evaluated: 2024-08-14. Review status: criteria provided, single submitter. Criteria: Invitae Variant Classification Sherloc (09022015). Collection method: clinical testing. Allele origin: germline.
Comment: This sequence change replaces glutamic acid, which is acidic and polar, with aspartic acid, which is acidic and polar, at codon 927 of the ZNF687 protein (p.Glu927Asp). The frequency data for this variant in the population databases is considered unreliable, as metrics indicate poor data quality at this position in the gnomAD database. This variant has not been reported in the literature in individuals affected with ZNF687-related conditions. ClinVar contains an entry for this variant (Variation ID: 2415632). An algorithm developed to predict the effect of missense changes on protein structure and function (PolyPhen-2) suggests that this variant is likely to be disruptive. In summary, the available evidence is currently insufficient to determine the role of this variant in disease. Therefore, it has been classified as a Variant of Uncertain Significance.